The following is an entry in ClinVar:

NM_000383.4(AIRE):c.1516A>G (p.Ser506Gly)

Genes: AIRE (autoimmune regulator; plus strand), LOC130066813 (ATAC-STARR-seq lymphoblastoid silent region 13378; plus strand). Cytogenetic location: 21q22.3.
Variant type: single nucleotide variant.
Coding change: c.1516A>G on transcript NM_000383.4 (MANE Select); coding-DNA position 1516, A replaced by G.
Protein change: p.Ser506Gly; replaces serine 506 with glycine.
Molecular consequence: missense variant.
Genome position (GRCh38, 1-based): chr21:44,296,395, A>G. VCF-style: chr21-44296395-A-G. GRCh37 (hg19) VCF-style: chr21-45716278-A-G.
Other names: short protein forms S506G.
Identifiers: ClinVar variation 953592 (VCV000953592.10), dbSNP rs201602355, ClinGen allele CA10052167.
Genomic context (GRCh38, chr21:44,296,395, plus strand): 5'-CCAGGGCTGTGGGAGTTGGGCTGACCTCTTCTCTTTACTGGGTTCCAGGATGACACTGCC[A>G]GTCACGAGCCCGCTCTGCACAGGGATGACCTGGAGTCCCTTCTGAGCGAGGTAACGCCTC-3'
Protein context (NP_000374.1, residues 496-516): APGPAKDDTA[Ser506Gly]HEPALHRDDL

ClinVar aggregate classification (germline): Uncertain significance. Review status: criteria provided, single submitter (1 of 4 stars). 2 submissions from 2 submitters: Uncertain significance (1). 1 of the submissions does not count toward it. Last evaluated 2024-01-06.

Conditions:
Polyglandular autoimmune syndrome, type 1 (APS1). Also called: Autoimmune polyendocrine syndrome type 1; Autoimmune polyendocrinopathy syndrome , type I, with or without reversible metaphyseal dysplasia; HYPOADRENOCORTICISM WITH HYPOPARATHYROIDISM AND SUPERFICIAL MONILIASIS; PGA I; AUTOIMMUNE POLYENDOCRINE SYNDROME, TYPE I, WITH OR WITHOUT REVERSIBLE METAPHYSEAL DYSPLASIA; APS I. Identifiers: Orphanet 3453, MedGen C0085859, MONDO:0009411, OMIM 240300.

Allele frequency attached by ClinVar (database versions not stated): ExAC 0.00001; gnomAD exomes 0.00001 and 0.00004; gnomAD 0.00002 and 0.00003; TOPMed 0.00002.
gnomAD v4.1: 57 of 1,612,358 alleles (0.0035%); highest among the groups gnomAD compares: Non-Finnish European, 0.0046%; no homozygotes.

Submissions (2):

Labcorp Genetics (formerly Invitae), Labcorp
Classification: Uncertain significance for Polyglandular autoimmune syndrome, type 1. Last evaluated: 2024-01-06. Review status: criteria provided, single submitter. Criteria: Invitae Variant Classification Sherloc (09022015). Collection method: clinical testing. Allele origin: germline.
Comment: This sequence change replaces serine, which is neutral and polar, with glycine, which is neutral and non-polar, at codon 506 of the AIRE protein (p.Ser506Gly). This variant is present in population databases (rs201602355, gnomAD 0.002%). This variant has not been reported in the literature in individuals affected with AIRE-related conditions. ClinVar contains an entry for this variant (Variation ID: 953592). Advanced modeling of protein sequence and biophysical properties (such as structural, functional, and spatial information, amino acid conservation, physicochemical variation, residue mobility, and thermodynamic stability) performed at Invitae indicates that this missense variant is not expected to disrupt AIRE protein function with a negative predictive value of 95%. In summary, the available evidence is currently insufficient to determine the role of this variant in disease. Therefore, it has been classified as a Variant of Uncertain Significance.

Natera, Inc.
Classification: Uncertain significance for Polyglandular autoimmune syndrome type 1. Last evaluated: 2020-03-17. Review status: no assertion criteria provided. Collection method: clinical testing. Allele origin: germline. Not counted in ClinVar's aggregate classification.